The following is an entry in ClinVar:

ClinVar aggregate classification (germline): Benign/Likely benign. Review status: criteria provided, multiple submitters, no conflicts (2 of 4 stars). 2 submissions from 2 submitters: Benign (1); Likely benign (1). Last evaluated 2025-02-18.

Conditions:
Breast-ovarian cancer, familial, susceptibility to, 3. Also called: RAD51C-Related Breast/Ovarian Cancer. Identifiers: Orphanet 145, MedGen C3150659, MONDO:0013253, OMIM 613399.

Submissions (2):

Myriad Genetics, Inc.
Classification: Benign for Breast-ovarian cancer, familial, susceptibility to, 3. Last evaluated: 2025-02-18. Review status: criteria provided, single submitter. Criteria: Myriad Autosomal Dominant, Autosomal Recessive and X-Linked Classification Criteria (2023). Collection method: clinical testing. Allele origin: unknown.
Comment: This variant is considered benign. This variant is a silent/synonymous amino acid change and it is not expected to impact splicing.

GeneDx
Classification: Likely benign. Last evaluated: 2018-08-13. Review status: criteria provided, single submitter. Criteria: GeneDx Variant Classification Process June 2021. Collection method: clinical testing. Allele origin: germline. Affected: yes.

NM_058216.3(RAD51C):c.486A>G (p.Gly162=)

Gene: RAD51C (RAD51 paralog C; plus strand). Cytogenetic location: 17q22.
Variant type: single nucleotide variant.
Coding change: c.486A>G on transcript NM_058216.3 (MANE Select); coding-DNA position 486, A replaced by G.
Protein change: p.Gly162=; no amino-acid change (glycine 162 retained).
Molecular consequence: synonymous variant.
Genome position (GRCh38, 1-based): chr17:58,696,774, A>G. VCF-style: chr17-58696774-A-G. GRCh37 (hg19) VCF-style: chr17-56774135-A-G.
Identifiers: ClinVar variation 1208818 (VCV001208818.4), dbSNP rs1598460439, ClinGen allele CA501074963.